The following is an entry in ClinVar:

ClinVar aggregate classification (germline): Uncertain significance (1 of 4 stars; one submission).

Conditions:
Epidermolysis bullosa simplex with nail dystrophy (EBS5D). Identifiers: MedGen C4225309, MONDO:0014661, OMIM 616487.
Autosomal recessive limb-girdle muscular dystrophy type 2Q (LGMDR17). Also called: MUSCULAR DYSTROPHY, LIMB-GIRDLE, AUTOSOMAL RECESSIVE 17. Identifiers: Orphanet 254361, MedGen C3150989, MONDO:0013390, OMIM 613723.
Epidermolysis bullosa simplex 5B, with muscular dystrophy (EBS5B). Also called: Epidermolysis bullosa simplex with muscular dystrophy; EPIDERMOLYSIS BULLOSA SIMPLEX AND LIMB-GIRDLE MUSCULAR DYSTROPHY. Identifiers: Orphanet 257, MedGen C2931072, MONDO:0009181, OMIM 226670.
Epidermolysis bullosa simplex 5C, with pyloric atresia (EBS5C). Also called: PLEC-Related Epidermolysis Bullosa with Pyloric Atresia; Epidermolysis bullosa simplex with pyloric atresia; PLEC1-Related Epidermolysis Bullosa with Pyloric Atresia. Identifiers: Orphanet 158684, MedGen C2677349, MONDO:0012807, OMIM 612138.
Epidermolysis bullosa simplex, Ogna type (EBS5A). Also called: Pidermolysis bullosa simplex 5A, Ogna type; EPIDERMOLYSIS BULLOSA SIMPLEX 5A, OGNA TYPE. Identifiers: Orphanet 79401, MedGen C0432317, MONDO:0007555, OMIM 131950.

gnomAD v4.1: 1 of 1,614,122 alleles (0.000062%); highest among the groups gnomAD compares: Non-Finnish European, 0.000085%; no homozygotes.

Submission:

Labcorp Genetics (formerly Invitae), Labcorp
Classification: Uncertain significance for Autosomal recessive limb-girdle muscular dystrophy type 2Q; Epidermolysis bullosa simplex, Ogna type; Epidermolysis bullosa simplex with nail dystrophy; Epidermolysis bullosa simplex 5C, with pyloric atresia; Epidermolysis bullosa simplex 5B, with muscular dystrophy. Last evaluated: 2024-06-11. Review status: criteria provided, single submitter. Criteria: Invitae Variant Classification Sherloc (09022015). Collection method: clinical testing. Allele origin: germline.
Comment: This sequence change replaces glycine, which is neutral and non-polar, with serine, which is neutral and polar, at codon 2879 of the PLEC protein (p.Gly2879Ser). This variant is not present in population databases (gnomAD no frequency). This variant has not been reported in the literature in individuals affected with PLEC-related conditions. An algorithm developed to predict the effect of missense changes on protein structure and function (PolyPhen-2) suggests that this variant is likely to be disruptive. In summary, the available evidence is currently insufficient to determine the role of this variant in disease. Therefore, it has been classified as a Variant of Uncertain Significance.

NM_201384.3(PLEC):c.8554G>A (p.Gly2852Ser)

Gene: PLEC (plectin; minus strand). Cytogenetic location: 8q24.3.
Variant type: single nucleotide variant.
Coding change: c.8554G>A on transcript NM_201384.3 (MANE Select); coding-DNA position 8554, G replaced by A.
Protein change: p.Gly2852Ser; replaces glycine 2852 with serine.
Molecular consequence: missense variant.
Genome position (GRCh38, 1-based): chr8:143,921,267, C>T on the plus strand (G>A on the coding strand, the complement: PLEC is on the minus strand). VCF-style: chr8-143921267-C-T. GRCh37 (hg19) VCF-style: chr8-144995435-C-T.
Other names: c.8635G>A, p.Gly2879Ser (NM_000445.5); c.5254G>A, p.Gly1752Ser (NM_001410941.1); c.8512G>A, p.Gly2838Ser (NM_201378.4); c.8488G>A, p.Gly2830Ser (NM_201379.3); c.8965G>A, p.Gly2989Ser (NM_201380.4); c.8458G>A, p.Gly2820Ser (NM_201381.3); c.8554G>A, p.Gly2852Ser (NM_201382.4); c.8566G>A, p.Gly2856Ser (NM_201383.3); short protein forms G1752S, G2820S, G2830S, G2838S, G2852S, G2856S, G2879S, G2989S.
Identifiers: ClinVar variation 3749947 (VCV003749947.2).